The following is an entry in ClinVar:

GRCh37/hg19 6q16.1-21(chr6:96596732-105554568)x1

Genes: ASCC3 (activating signal cointegrator 1 complex subunit 3; minus strand), CCNC (cyclin C; minus strand), COQ3 (coenzyme Q3, methyltransferase; minus strand), FAXC (failed axon connections homolog, metaxin like GST domain containing; minus strand), FBXL4 (F-box and leucine rich repeat protein 4; minus strand) and 18 more. Cytogenetic location: 6q16.1-21.
Variant type: copy number loss.
Change: copy number 1 (one copy instead of two) of chr6:96,596,732-105,554,568 (8.96 Mb, GRCh37 coordinates, 1-based), cytogenetic band 6q16.1-21.
Identifiers: ClinVar variation 1807838 (VCV001807838.1).

ClinVar aggregate classification (germline): Pathogenic (1 of 4 stars; one submission).

Submission:

Quest Diagnostics Nichols Institute San Juan Capistrano
Classification: Pathogenic. Last evaluated: 2021-12-29. Review status: criteria provided, single submitter. Criteria: ACMG/ClinGen CNV Guidelines, 2019. Collection method: clinical testing. Allele origin: unknown.
Comment: The copy number loss of 6q16.1q21 involves multiple protein-coding genes, including GRIK2 (OMIM 138244), SIM1 (OMIM 603128), POU3F2 (OMIM 600494), and FBXL2 (OMIM 605654). Among the genes, heterozygous missense variants of GRIK2 are associated with autosomal dominant neurodevelopmental disorder with impaired language and ataxia with or without seizures (NEDLAS) (OMIM 619580). Biallelic loss-of-function variants of GRIK2 are associated with autosomal recessive intellectual developmental disorder-6 (OMIM 611092). Additionally, deletions involving SIM1, as well as other rearrangements disrupting SIM1, have been identified in several individuals with Prader-Willi syndrome-like phenotypes characterized by obesity, hypotonia, and delayed development, as well as other features (Faivre 2002, Holder 2000), and missense variants with impaired function have been identified in other patients with PWS-like features and/or obesity (Bonnefond 2013). Furthermore, deletions involving POU3F2 but not SIM1 have also been identified in individuals with intellectual disability, hypotonia, and obesity, and were found to segregate with the phenotype in multiple families (Kasher 2016). Thus, deletions involving both SIM1 and POU3F2, as well as several other genes falling within the current interval, have been reported in numerous individuals with a consistent PWS-like phenotype, though not always with complete penetrance (Bonaglia 2008, Kasher 2016, Khattabi 2015 Strunk 2016 Wang 2008). Even though hemizygous deletions of individual genes in this interval have not yet been associated with an established clinical phenotype, there is substantial evidence suggesting that deletions in this region contribute to a clinical phenotype. There are no similar copy number losses of this region in the general populations of the Database of Genomic Variants. Thus, based on current medical literature and gene content, this copy number variant (CNV) is interpreted as pathogenic. References: Bonaglia et al., Eur J Hum Genet. 2008 Dec;16(12):1443-9. PMID: 18648397. Bonnefond et al., J Clin Invest. 2013 Jul;123(7):3037-41. PMID: 23778136. Faivre et al., J Med Genet. 2002 Aug;39(8):594-6. PMID: 12161602. Holder et al., Hum Mol Genet. 2000 Jan 1;9(1):101-8. PMID: 10587584. Kasher et al., Am J Hum Genet. 2016 Feb 4;98(2):363-72. PMID: 26833329. Khattabi et al., Eur J Hum Genet. 2015 Aug;23(8):1010-8. PMID: 25351778. Strunk et al., Mol Cytogenet. 2016 Dec 3;9:88. PMID: 27980676. Wang et al., Am J Med Genet A. 2008 Nov 15;146A(22):2975-8. PMID: 18925680.